The following is an entry in ClinVar:

ClinVar aggregate classification (germline): Uncertain significance (1 of 4 stars; one submission).

gnomAD v4.1: 3 of 1,612,388 alleles (0.00019%); highest among the groups gnomAD compares: Non-Finnish European, 0.00025%; no homozygotes.

Submission:

Labcorp Genetics (formerly Invitae), Labcorp
Classification: Uncertain significance. Last evaluated: 2022-06-28. Review status: criteria provided, single submitter. Criteria: Invitae Variant Classification Sherloc (09022015). Collection method: clinical testing. Allele origin: germline.
Comment: In summary, the available evidence is currently insufficient to determine the role of this variant in disease. Therefore, it has been classified as a Variant of Uncertain Significance. Algorithms developed to predict the effect of missense changes on protein structure and function (SIFT, PolyPhen-2, Align-GVGD) all suggest that this variant is likely to be tolerated. This variant has not been reported in the literature in individuals affected with MAP3K7-related conditions. This variant is not present in population databases (gnomAD no frequency). This sequence change replaces valine, which is neutral and non-polar, with glycine, which is neutral and non-polar, at codon 338 of the MAP3K7 protein (p.Val338Gly).

NM_145331.3(MAP3K7):c.1013T>G (p.Val338Gly)

Gene: MAP3K7 (mitogen-activated protein kinase kinase kinase 7; minus strand). Cytogenetic location: 6q15.
Variant type: single nucleotide variant.
Coding change: c.1013T>G on transcript NM_145331.3 (MANE Select); coding-DNA position 1013, T replaced by G.
Protein change: p.Val338Gly; replaces valine 338 with glycine.
Molecular consequence: missense variant.
Genome position (GRCh38, 1-based): chr6:90,548,114, A>C on the plus strand (T>G on the coding strand, the complement: MAP3K7 is on the minus strand). VCF-style: chr6-90548114-A-C. GRCh37 (hg19) VCF-style: chr6-91257833-A-C.
Other names: c.1013T>G, p.Val338Gly (NM_003188.4, NM_145332.3, NM_145333.3); short protein forms V338G.
Identifiers: ClinVar variation 1371461 (VCV001371461.6), dbSNP rs890285458, ClinGen allele CA365010158.